The following is an entry in ClinVar:

NM_001035.3(RYR2):c.2171C>A (p.Ser724Tyr)

Gene: RYR2 (ryanodine receptor 2; plus strand). Cytogenetic location: 1q43.
Variant type: single nucleotide variant.
Coding change: c.2171C>A on transcript NM_001035.3 (MANE Select); coding-DNA position 2171, C replaced by A.
Protein change: p.Ser724Tyr; replaces serine 724 with tyrosine.
Molecular consequence: missense variant.
Genome position (GRCh38, 1-based): chr1:237,496,720, C>A. VCF-style: chr1-237496720-C-A. GRCh37 (hg19) VCF-style: chr1-237660020-C-A.
Other names: short protein forms S724Y.
Identifiers: ClinVar variation 2572900 (VCV002572900.2), dbSNP rs2545836941, ClinGen allele CA345392349.

ClinVar aggregate classification (germline): Uncertain significance. Review status: criteria provided, multiple submitters, no conflicts (2 of 4 stars). 2 submissions from 2 submitters: Uncertain significance (2). Last evaluated 2026-02-17.

Conditions:
Cardiovascular phenotype. Identifiers: MedGen CN230736.

Submissions (2):

Ambry Genetics
Classification: Uncertain significance for Cardiovascular phenotype. Last evaluated: 2026-02-17. Review status: criteria provided, single submitter. Criteria: Ambry Variant Classification Scheme 2023. Collection method: clinical testing. Allele origin: germline.

GeneDx
Classification: Uncertain significance. Last evaluated: 2023-01-16. Review status: criteria provided, single submitter. Criteria: GeneDx Variant Classification Process June 2021. Collection method: clinical testing. Allele origin: germline. Affected: yes.
Comment: Not observed at significant frequency in large population cohorts (gnomAD); In silico analysis supports that this missense variant has a deleterious effect on protein structure/function; Has not been previously published as pathogenic or benign to our knowledge